The following is an entry in ClinVar:

NM_001025616.3(ARHGAP24):c.1615T>C (p.Phe539Leu)

Gene: ARHGAP24 (Rho GTPase activating protein 24; plus strand). Cytogenetic location: 4q21.23.
Variant type: single nucleotide variant.
Coding change: c.1615T>C on transcript NM_001025616.3 (MANE Select); coding-DNA position 1615, T replaced by C.
Protein change: p.Phe539Leu; replaces phenylalanine 539 with leucine.
Molecular consequence: missense variant.
Genome position (GRCh38, 1-based): chr4:85,995,269, T>C. VCF-style: chr4-85995269-T-C. GRCh37 (hg19) VCF-style: chr4-86916422-T-C.
Other names: p.Phe539Leu; c.1330T>C, p.Phe444Leu (NM_001042669.2); c.1360T>C, p.Phe454Leu (NM_001287805.2); c.1036T>C, p.Phe346Leu (NM_001346093.2); c.1336T>C, p.Phe446Leu (NM_031305.3); short protein forms F444L, F346L, F454L, F446L, F539L.
Identifiers: ClinVar variation 780484 (VCV000780484.15), dbSNP rs115409885, ClinGen allele CA2994768.
Genomic context (GRCh38, chr4:85,995,269, plus strand): 5'-CAAGCTGGAGAGTTAGGCCAGCACAACAGACTGTCCACCTATGATAATGTCCATCAACAG[T>C]TCTCCATGATGAACCTTGATGACAAGCAGAGCATTGACAGTGCTACCTGGTCCACTTCCT-3'
Protein context (NP_001020787.2, residues 529-549): LSTYDNVHQQ[Phe539Leu]SMMNLDDKQS

ClinVar aggregate classification (germline): Benign/Likely benign. Review status: criteria provided, multiple submitters, no conflicts (2 of 4 stars). 4 submissions from 4 submitters: Benign (3); Likely benign (1). Last evaluated 2026-02-01.

Allele frequency attached by ClinVar (database versions not stated): gnomAD exomes 0.00105 and 0.00294; ExAC 0.00377; gnomAD 0.01248 and 0.01327; TOPMed 0.01362; 1000 Genomes Project 30x 0.01702; ESP Exome Variant Server 0.01461; 1000 Genomes Project 0.01577.
gnomAD v4.1: 3,504 of 1,613,892 alleles (0.22%); highest among the groups gnomAD compares: African/African-American, 4.1%; 59 homozygotes.

Submissions (4):

Labcorp Genetics (formerly Invitae), Labcorp
Classification: Benign. Last evaluated: 2026-02-01. Review status: criteria provided, single submitter. Criteria: Invitae Variant Classification Sherloc (09022015). Collection method: clinical testing. Allele origin: germline.

GeneDx
Classification: Likely benign. Last evaluated: 2025-02-18. Review status: criteria provided, single submitter. Criteria: GeneDx Variant Classification Process June 2021. Collection method: clinical testing. Allele origin: germline. Affected: yes.
Comment: See Variant Classification Assertion Criteria.

Mayo Clinic Laboratories, Mayo Clinic
Classification: Benign. Last evaluated: 2023-08-15. Review status: criteria provided, single submitter. Criteria: ACMG Guidelines, 2015. Collection method: clinical testing. Allele origin: germline. Observed: 9 variant alleles.
Comment: BS1, BS2, BP4

Breakthrough Genomics
Classification: Benign. Review status: criteria provided, single submitter. Criteria: ACMG Guidelines, 2015. Collection method: not provided. Allele origin: germline. Inheritance: Unknown mechanism. Affected: yes.

Literature cited by the submitters: PubMed 21911940 (cited by Mayo Clinic Laboratories, Mayo Clinic).